The following is an entry in ClinVar:

NM_000535.7(PMS2):c.*2C>T

Gene: PMS2 (PMS1 homolog 2, mismatch repair system component; minus strand). Cytogenetic location: 7p22.1.
Variant type: single nucleotide variant.
Coding change: c.*2C>T on transcript NM_000535.7 (MANE Select); 2 bases downstream of the stop codon, C replaced by T.
Molecular consequence: 3 prime UTR variant. On other transcripts: non-coding transcript variant (1).
Genome position (GRCh38, 1-based): chr7:5,973,397, G>A on the plus strand (C>T on the coding strand, the complement: PMS2 is on the minus strand). VCF-style: chr7-5973397-G-A. GRCh37 (hg19) VCF-style: chr7-6013028-G-A.
Other names: c.*2C>T (NM_001322003.2, NM_001322004.2, NM_001322005.2 and 10 more transcripts).
Identifiers: ClinVar variation 187618 (VCV000187618.12), dbSNP rs764124442, ClinGen allele CA011793.

ClinVar aggregate classification (germline): Conflicting classifications of pathogenicity. Review status: criteria provided, conflicting classifications (1 of 4 stars). 6 submissions from 6 submitters: Uncertain significance (3); Benign (1); Likely benign (2). Last evaluated 2025-03-04.

Conditions:
Hereditary cancer-predisposing syndrome. Also called: Neoplastic Syndromes, Hereditary; Tumor predisposition; Hereditary Cancer Syndrome; Hereditary neoplastic syndrome. Identifiers: Orphanet 140162, MedGen C0027672, MeSH D009386, MONDO:0015356.
Lynch syndrome 4 (LYNCH4). Also called: Colorectal cancer, hereditary nonpolyposis, type 4; Hereditary non-polyposis colorectal cancer, type 4. Identifiers: Orphanet 144, MedGen C1838333, MONDO:0013699, OMIM 614337. Disease mechanism: loss of function.

Allele frequency attached by ClinVar (database versions not stated): TOPMed below 0.00001; gnomAD 0.00001.

Submissions (6):

Center for Genomic Medicine, Rigshospitalet, Copenhagen University Hospital
Classification: Likely benign. Last evaluated: 2025-03-04. Review status: criteria provided, single submitter. Criteria: ACMG Guidelines, 2015. Collection method: clinical testing. Allele origin: germline.

Myriad Genetics, Inc.
Classification: Benign for Lynch syndrome 4. Last evaluated: 2025-02-04. Review status: criteria provided, single submitter. Criteria: Myriad Autosomal Dominant, Autosomal Recessive and X-Linked Classification Criteria (2023). Collection method: clinical testing. Allele origin: unknown.
Comment: This variant is considered benign. This variant occurs in the non-coding 3' untranslated region of the gene, and is not expected to impact protein function.

Color Diagnostics, LLC DBA Color Health
Classification: Uncertain significance for Hereditary cancer-predisposing syndrome. Last evaluated: 2024-06-12. Review status: criteria provided, single submitter. Criteria: ACMG Guidelines, 2015. Collection method: clinical testing. Allele origin: germline.
Comment: This variant is located in the 3' untranslated region of the PMS2 gene. To our knowledge, functional studies have not been reported for this variant. This variant has not been reported in individuals affected with PMS2-related disorders in the literature. This variant has been identified in 1/199490 chromosomes in the general population by the Genome Aggregation Database (gnomAD). The available evidence is insufficient to determine the role of this variant in disease conclusively. Therefore, this variant is classified as a Variant of Uncertain Significance.

GeneDx
Classification: Likely benign. Last evaluated: 2018-07-24. Review status: criteria provided, single submitter. Criteria: GeneDx Variant Classification Process June 2021. Collection method: clinical testing. Allele origin: germline. Affected: yes.

Quest Diagnostics Nichols Institute San Juan Capistrano
Classification: Uncertain significance. Last evaluated: 2017-05-01. Review status: criteria provided, single submitter. Criteria: Quest Diagnostics criteria. Collection method: clinical testing. Allele origin: germline.

Ambry Genetics
Classification: Uncertain significance for Hereditary cancer-predisposing syndrome. Last evaluated: 2015-08-25. Review status: criteria provided, single submitter. Criteria: Ambry Variant Classification Scheme 2023. Collection method: clinical testing. Allele origin: germline.
Comment: The c.*2C>T variant is located in the 3' untranslated region (3&rsquo;UTR) of the PMS2 gene. This variant results from a C to T substitution 2 nucleotides after the termination codon of the PMS2 gene. This variant was not reported in population based cohorts in the following databases: Database of Single Nucleotide Polymorphisms (dbSNP), NHLBI Exome Sequencing Project (ESP), and 1000 Genomes Project. In the ESP, this variant was not observed in 5971 samples (11942 alleles) with coverage at this position. To date, this alteration has been detected with an allele frequency of approximately 0.003% (greater than 65000 alleles tested) in our clinical cohort. This nucleotide position is poorly conserved in available vertebrate species. Since supporting evidence is limited at this time, the clinical significance of c.*2C>T remains unclear.